The following is an entry in ClinVar:

NM_020458.4(TTC7A):c.1641+12G>C

Gene: TTC7A (tetratricopeptide repeat domain 7A; plus strand). Cytogenetic location: 2p21.
Variant type: single nucleotide variant.
Coding change: c.1641+12G>C on transcript NM_020458.4 (MANE Select); 12 bases into the intron after coding-DNA position 1641, G replaced by C.
Molecular consequence: intron variant.
Genome position (GRCh38, 1-based): chr2:47,024,371, G>C. VCF-style: chr2-47024371-G-C. GRCh37 (hg19) VCF-style: chr2-47251510-G-C.
Other names: c.1539+12G>C (NM_001288953.2); c.1641+12G>C (NM_001288951.2); c.579+12G>C (NM_001288955.2).
Identifiers: ClinVar variation 403574 (VCV000403574.18), dbSNP rs11885389, ClinGen allele CA1647783.
Genomic context (GRCh38, chr2:47,024,371, plus strand): 5'-CCCCCAGGTCATCCTCTATGTCTCGCTGCAGCTGGCCCTCGTCCGACAGGTGGGTTGTCC[G>C]TGTTCCTAACCCCCGGGTCCTCGGGGGCTGCTGATCTTCTCCTGGAAACCCAGCTTACCA-3'

ClinVar aggregate classification (germline): Benign. Review status: criteria provided, multiple submitters, no conflicts (2 of 4 stars). 5 submissions from 5 submitters: Benign (5). Last evaluated 2026-02-04.

Conditions:
Multiple gastrointestinal atresias. Also called: FAMILIAL INTESTINAL POLYATRESIA SYNDROME; Multiple intestinal atresia. Identifiers: Orphanet 2300, MedGen C0220744, MONDO:0009465.

Allele frequency attached by ClinVar (database versions not stated): 1000 Genomes Project 0.15236; 1000 Genomes Project 30x 0.15303; TOPMed 0.15799; ESP Exome Variant Server 0.16710.
gnomAD v4.1: 241,463 of 1,600,728 alleles (15%); highest among the groups gnomAD compares: African/African-American, 20%; 18,813 homozygotes.

Submissions (5):

Labcorp Genetics (formerly Invitae), Labcorp
Classification: Benign for Multiple gastrointestinal atresias. Last evaluated: 2026-02-04. Review status: criteria provided, single submitter. Criteria: Invitae Variant Classification Sherloc (09022015). Collection method: clinical testing. Allele origin: germline.

Blueprint Genetics
Classification: Benign. Last evaluated: 2024-11-26. Review status: criteria provided, single submitter. Criteria: ACMG Guidelines, 2015. Collection method: clinical testing. Allele origin: germline.

GeneDx
Classification: Benign. Last evaluated: 2018-07-09. Review status: criteria provided, single submitter. Criteria: GeneDx Variant Classification Process June 2021. Collection method: clinical testing. Allele origin: germline. Affected: yes.

Laboratory for Molecular Medicine, Mass General Brigham Personalized Medicine
Classification: Benign. Last evaluated: 2016-03-29. Review status: criteria provided, single submitter. Criteria: LMM Criteria. Collection method: clinical testing. Allele origin: germline.
Comment: Variant identified in a genome or exome case(s) and assessed due to predicted null impact of the variant or pathogenic assertions in the literature or databases. Disclaimer: This variant has not undergone full assessment. The following are preliminary notes: Frequency

Breakthrough Genomics
Classification: Benign. Review status: criteria provided, single submitter. Criteria: ACMG Guidelines, 2015. Collection method: not provided. Allele origin: germline. Inheritance: Autosomal recessive inheritance. Affected: yes.